The following is an entry in ClinVar:

ClinVar aggregate classification (germline): Pathogenic/Likely pathogenic. Review status: criteria provided, multiple submitters, no conflicts (2 of 4 stars). 2 submissions from 2 submitters: Pathogenic (1); Likely pathogenic (1). Last evaluated 2025-09-08.

Conditions:
Glycogen storage disease type III (GSD3). Also called: Cori disease; FORBES DISEASE. Identifiers: Orphanet 366, MedGen C0017922, MONDO:0009291, OMIM 232400.

Submissions (2):

Labcorp Genetics (formerly Invitae), Labcorp
Classification: Pathogenic for Glycogen storage disease type III. Last evaluated: 2025-09-08. Review status: criteria provided, single submitter. Criteria: Invitae Variant Classification Sherloc (09022015). Collection method: clinical testing. Allele origin: germline.
Comment: This sequence change creates a premature translational stop signal (p.Val593Phefs*17) in the AGL gene. It is expected to result in an absent or disrupted protein product. Loss-of-function variants in AGL are known to be pathogenic (PMID: 19299494). This variant is not present in population databases (gnomAD no frequency). This variant has not been reported in the literature in individuals affected with AGL-related conditions. For these reasons, this variant has been classified as Pathogenic.

Natera, Inc.
Classification: Likely pathogenic for Glycogen storage disease type III. Last evaluated: 2025-05-06. Review status: criteria provided, single submitter. Criteria: Natera Variant Classification Schema (03/2026). Collection method: clinical testing. Allele origin: germline.
Comment: The c.1777del variant in AGL is a frameshift variant predicted to shift the reading frame beginning at codon 593 and leads to a stop codon 17 codons downstream. This variant is expected to result in nonsense mediated decay, truncation, or a dysfunctional protein product. This variant is rare in the general population with a frequency below the threshold expected for the associated phenotype(s). Given the available evidence, this variant is classified as Likely Pathogenic.

Literature cited by the submitters: PubMed 19299494 (cited by Labcorp Genetics (formerly Invitae), Labcorp).

NM_000642.3(AGL):c.1777del (p.Val593fs)

Gene: AGL (amylo-alpha-1,6-glucosidase and 4-alpha-glucanotransferase; plus strand). Cytogenetic location: 1p21.2.
Variant type: Deletion.
Coding change: c.1777del on transcript NM_000642.3 (MANE Select); coding-DNA position 1777, one base deleted (G; older notation c.1777delG).
Protein change: p.Val593fs; shifts the reading frame from valine 593.
Molecular consequence: frameshift variant.
Genome position (GRCh38, 1-based): chr1:99,880,673, G deleted. VCF-style (leftmost placement, unchanged base first): chr1-99880672-AG-A. GRCh37 (hg19) VCF-style: chr1-100346228-AG-A.
Other names: c.1777del, p.Val593fs (NM_000028.3, NM_000643.3, NM_000644.3 and 2 more transcripts); c.1573del, p.Val525fs (NM_001425329.1, NM_001425328.1); c.1729del, p.Val577fs (NM_000646.3); c.1576del, p.Val526fs (NM_001425327.1); c.1399del, p.Val467fs (NM_001425332.1); short protein forms V467fs, V525fs, V526fs, V577fs, V593fs.
Identifiers: ClinVar variation 4067781 (VCV004067781.3).
Genomic context (GRCh38, chr1:99,880,672, plus strand): 5'-TATTCTGTAATGCTCTGCAGAGGCAATGAGTGCATATAATAGTCATGAAGAGGGCAGATT[AG>A]TTTACCGATATGGAGGAGAACCTGTTGGATCCTTTGTTCAGCCCTGTTTGAGGCCTTTAA-3'